The following is an entry in ClinVar:

NM_001370259.2(MEN1):c.1754T>G (p.Val585Gly)

Gene: MEN1 (menin 1; minus strand). Cytogenetic location: 11q13.1.
Variant type: single nucleotide variant.
Coding change: c.1754T>G on transcript NM_001370259.2 (MANE Select); coding-DNA position 1754, T replaced by G.
Protein change: p.Val585Gly; replaces valine 585 with glycine.
Molecular consequence: missense variant.
Genome position (GRCh38, 1-based): chr11:64,804,413, A>C on the plus strand (T>G on the coding strand, the complement: MEN1 is on the minus strand). VCF-style: chr11-64804413-A-C. GRCh37 (hg19) VCF-style: chr11-64571885-A-C.
Other names: c.1769T>G, p.Val590Gly (NM_000244.4, NM_130800.3, NM_130801.3 and 3 more transcripts); c.1880T>G, p.Val627Gly (NM_001370251.2); c.1754T>G, p.Val585Gly (NM_001370260.2, NM_001370261.2, NM_130799.3); c.1649T>G, p.Val550Gly (NM_001370262.2, NM_001370263.2); short protein forms V590G, V627G, V585G, V550G.
Identifiers: ClinVar variation 659280 (VCV000659280.9), dbSNP rs1592629417, ClinGen allele CA381177441.

ClinVar aggregate classification (germline): Uncertain significance. Review status: criteria provided, multiple submitters, no conflicts (2 of 4 stars). 2 submissions from 2 submitters: Uncertain significance (2). Last evaluated 2025-03-07.

Conditions:
Hereditary cancer-predisposing syndrome. Also called: Neoplastic Syndromes, Hereditary; Hereditary neoplastic syndrome; Hereditary Cancer Syndrome; Tumor predisposition. Identifiers: Orphanet 140162, MedGen C0027672, MeSH D009386, MONDO:0015356.
Multiple endocrine neoplasia, type 1 (MEN1). Also called: Endocrine adenomatosis multiple; MEN 1; MEN I; WERMER SYNDROME; MEA I. Identifiers: Orphanet 652, MedGen C0025267, MeSH D018761, MONDO:0007540, OMIM 131100.

Submissions (2):

Ambry Genetics
Classification: Uncertain significance for Hereditary cancer-predisposing syndrome. Last evaluated: 2025-03-07. Review status: criteria provided, single submitter. Criteria: Ambry Variant Classification Scheme 2023. Collection method: clinical testing. Allele origin: germline.
Comment: The p.V585G variant (also known as c.1754T>G), located in coding exon 9 of the MEN1 gene, results from a T to G substitution at nucleotide position 1754. The valine at codon 585 is replaced by glycine, an amino acid with dissimilar properties. This amino acid position is highly conserved in available vertebrate species. In addition, this alteration is predicted to be deleterious by in silico analysis. Based on the available evidence, the clinical significance of this variant remains unclear.

Labcorp Genetics (formerly Invitae), Labcorp
Classification: Uncertain significance for Multiple endocrine neoplasia, type 1. Last evaluated: 2022-02-19. Review status: criteria provided, single submitter. Criteria: Invitae Variant Classification Sherloc (09022015). Collection method: clinical testing. Allele origin: germline.
Comment: Advanced modeling of protein sequence and biophysical properties (such as structural, functional, and spatial information, amino acid conservation, physicochemical variation, residue mobility, and thermodynamic stability) performed at Invitae indicates that this missense variant is expected to disrupt MEN1 protein function. ClinVar contains an entry for this variant (Variation ID: 659280). This variant has not been reported in the literature in individuals affected with MEN1-related conditions. This variant is not present in population databases (gnomAD no frequency). This sequence change replaces valine, which is neutral and non-polar, with glycine, which is neutral and non-polar, at codon 585 of the MEN1 protein (p.Val585Gly). In summary, the available evidence is currently insufficient to determine the role of this variant in disease. Therefore, it has been classified as a Variant of Uncertain Significance.